The following is an entry in ClinVar:

NM_007294.4(BRCA1):c.1434_1435del (p.Glu479fs)

Gene: BRCA1 (BRCA1 DNA repair associated; minus strand). Cytogenetic location: 17q21.31.
Variant type: Deletion.
Coding change: c.1434_1435del on transcript NM_007294.4 (MANE Select); coding-DNA positions 1434 to 1435, 2 bases deleted (TG; older notation c.1434_1435delTG).
Protein change: p.Glu479fs; shifts the reading frame from glutamic acid 479.
Molecular consequence: frameshift variant. On other transcripts: intron variant (137).
Genome position (GRCh38, 1-based): chr17:43,094,096-43,094,097, CA deleted on the plus strand (TG on the coding strand, the reverse complement: BRCA1 is on the minus strand). VCF-style (leftmost placement, unchanged base first): chr17-43094095-TCA-T. GRCh37 (hg19) VCF-style: chr17-41246112-TCA-T.
Other names: c.1221_1222del, p.Glu408fs (NM_001407571.1, NM_001407853.1, NM_001407894.1 and 9 more transcripts); c.1434_1435del, p.Glu479fs (NM_001407581.1, NM_001407582.1, NM_001407583.1 and 30 more transcripts); c.1431_1432del, p.Glu478fs (NM_001407587.1, NM_001407590.1, NM_001407591.1 and 22 more transcripts); c.1356_1357del, p.Glu453fs (NM_001407657.1, NM_001407658.1, NM_001407663.1 and 4 more transcripts); c.1353_1354del, p.Glu452fs (NM_001407659.1, NM_001407660.1, NM_001407661.1 and 1 more transcripts); c.1311_1312del, p.Glu438fs (NM_001407664.1, NM_001407675.1, NM_001407676.1 and 19 more transcripts); c.1293_1294del, p.Glu432fs (NM_001407694.1, NM_001407695.1, NM_001407696.1 and 29 more transcripts); c.1290_1291del, p.Glu431fs (NM_001407740.1, NM_001407741.1, NM_001407742.1 and 20 more transcripts); and 40 more; short protein forms E432fs, E479fs, E183fs, E351fs, E368fs, E390fs, E412fs, E431fs.
Identifiers: ClinVar variation 417830 (VCV000417830.12), dbSNP rs1060505050, ClinGen allele CA16616888.

ClinVar aggregate classification (germline): Pathogenic. Review status: reviewed by expert panel (3 of 4 stars). 3 submissions from 3 submitters: Pathogenic (1). 2 of the submissions do not count toward it. Last evaluated 2017-12-15.

Conditions:
Breast-ovarian cancer, familial, susceptibility to, 1 (BROVCA1). Also called: BRCA1 Hereditary Breast and Ovarian Cancer; OVARIAN CANCER, SUSCEPTIBILITY TO. Identifiers: Orphanet 145, MedGen C2676676, MONDO:0011450, OMIM 604370. Disease mechanism: loss of function.
Hereditary breast ovarian cancer syndrome. Also called: Hereditary breast and ovarian cancer syndrome; Breast and ovarian cancer; Hereditary breast and ovarian cancer syndrome (HBOC); Hereditary breast and/or ovarian cancer syndrome; BRCA1- and BRCA2-Associated Hereditary Breast and Ovarian Cancer; Hereditary breast and ovarian cancer. Identifiers: Orphanet 145, MedGen C0677776, MeSH D061325, MONDO:0003582. Disease mechanism: loss of function.

Submissions (3):

Evidence-based Network for the Interpretation of Germline Mutant Alleles (ENIGMA)
Classification: Pathogenic for Breast-ovarian cancer, familial, susceptibility to, 1. Last evaluated: 2017-12-15. Review status: reviewed by expert panel. Criteria: ENIGMA BRCA1/2 Classification Criteria (2017-06-29). Collection method: curation. Allele origin: germline. Study: ENIGMA.
Comment: Variant allele predicted to encode a truncated non-functional protein.

Labcorp Genetics (formerly Invitae), Labcorp
Classification: Pathogenic for Hereditary breast ovarian cancer syndrome. Last evaluated: 2020-10-09. Review status: criteria provided, single submitter. Criteria: Invitae Variant Classification Sherloc (09022015). Collection method: clinical testing. Allele origin: germline. Not counted in ClinVar's aggregate classification.
Comment: This sequence change creates a premature translational stop signal (p.Glu479Lysfs*10) in the BRCA1 gene. It is expected to result in an absent or disrupted protein product. For these reasons, this variant has been classified as Pathogenic. Loss-of-function variants in BRCA1 are known to be pathogenic (PMID: 20104584). This variant has been observed in individual(s) with undergoing testing for cancer (PMID: 29339979). ClinVar contains an entry for this variant (Variation ID: 417830). This variant is not present in population databases (ExAC no frequency).

Department of Medical Genetics, Oslo University Hospital
Classification: Pathogenic for Breast-ovarian cancer, familial, susceptibility to, 1. Last evaluated: 2015-10-29. Review status: criteria provided, single submitter. Criteria: ACMG Guidelines, 2015. Collection method: clinical testing. Allele origin: germline. Affected: yes. Observed: 3 variant alleles. Not counted in ClinVar's aggregate classification.

Literature cited by the submitters: PubMed 20104584 (cited by Labcorp Genetics (formerly Invitae), Labcorp); PubMed 29339979 (cited by Labcorp Genetics (formerly Invitae), Labcorp).